The following is an entry in ClinVar:

NM_000276.4(OCRL):c.2658T>A (p.Arg886=)

Gene: OCRL (OCRL inositol polyphosphate-5-phosphatase; plus strand). Cytogenetic location: Xq26.1.
Variant type: single nucleotide variant.
Coding change: c.2658T>A on transcript NM_000276.4 (MANE Select); coding-DNA position 2658, T replaced by A.
Protein change: p.Arg886=; no amino-acid change (arginine 886 retained).
Molecular consequence: synonymous variant.
Genome position (GRCh38, 1-based): chrX:129,590,222, T>A. VCF-style: chrX-129590222-T-A. GRCh37 (hg19) VCF-style: chrX-128724199-T-A.
Other names: c.2661T>A, p.Arg887= (NM_001318784.2); c.2634T>A, p.Arg878= (NM_001587.4); c.2661T>A (NM_001318784.1).
Identifiers: ClinVar variation 2075084 (VCV002075084.6), dbSNP rs145302181, ClinGen allele CA10512412.

ClinVar aggregate classification (germline): Benign. Review status: criteria provided, single submitter (1 of 4 stars). 2 submissions from 2 submitters: Benign (1). 1 of the submissions does not count toward it. Last evaluated 2025-11-17.

Conditions:
Lowe syndrome (OCRL). Also called: LOWE OCULOCEREBRORENAL SYNDROME; PHOSPHATIDYLINOSITOL 4,5-BISPHOSPHATE 5-PHOSPHATASE DEFICIENCY; Oculocerebrorenal Syndrome. Identifiers: Orphanet 534, MedGen C0028860, MONDO:0010645, OMIM 309000.
OCRL-related disorder. Also called: OCRL-related condition.

Allele frequency attached by ClinVar (database versions not stated): gnomAD exomes 0.00001; ExAC 0.00005; gnomAD 0.00008; TOPMed 0.00010; ESP Exome Variant Server 0.00019.
gnomAD v4.1: 16 of 1,209,567 alleles (0.0013%); highest among the groups gnomAD compares: African/African-American, 0.025%; no homozygotes.

Submissions (2):

Labcorp Genetics (formerly Invitae), Labcorp
Classification: Benign for Lowe syndrome. Last evaluated: 2025-11-17. Review status: criteria provided, single submitter. Criteria: Invitae Variant Classification Sherloc (09022015). Collection method: clinical testing. Allele origin: germline.

PreventionGenetics, part of Exact Sciences
Classification: Likely benign for OCRL-related condition. Last evaluated: 2020-03-17. Review status: no assertion criteria provided. Collection method: clinical testing. Allele origin: germline. Not counted in ClinVar's aggregate classification.
Comment: This variant is classified as likely benign based on ACMG/AMP sequence variant interpretation guidelines (Richards et al. 2015 PMID: 25741868, with internal and published modifications).